The following is an entry in ClinVar:

NM_001244008.2(KIF1A):c.2445-8C>T

Gene: KIF1A (kinesin family member 1A; minus strand). Cytogenetic location: 2q37.3.
Variant type: single nucleotide variant.
Coding change: c.2445-8C>T on transcript NM_001244008.2 (MANE Select); 8 bases into the intron before coding-DNA position 2445, C replaced by T.
Molecular consequence: intron variant.
Genome position (GRCh38, 1-based): chr2:240,758,505, G>A on the plus strand (C>T on the coding strand, the complement: KIF1A is on the minus strand). VCF-style: chr2-240758505-G-A. GRCh37 (hg19) VCF-style: chr2-241697922-G-A.
Other names: p.?; c.2418-8C>T (NM_001379653.1, NM_001379650.1, NM_001379645.1 and 11 more transcripts); c.2520-8C>T (NM_001379635.1, NM_001330290.2, NM_001379646.1 and 2 more transcripts); c.2493-8C>T (NM_001379637.1, NM_001379648.1); c.2445-8C>T (NM_001320705.2, NM_001379638.1, NM_001330289.2).
Identifiers: ClinVar variation 388347 (VCV000388347.16), dbSNP rs200705912, ClinGen allele CA2208093.

ClinVar aggregate classification (germline): Benign/Likely benign. Review status: criteria provided, multiple submitters, no conflicts (2 of 4 stars). 5 submissions from 5 submitters: Benign (2); Likely benign (3). Last evaluated 2026-02-03.

Conditions:
Hereditary spastic paraplegia 30. Identifiers: Orphanet 101010, MedGen C5235139, MONDO:0012476.
Neuropathy, hereditary sensory, type 2C. Also called: Hereditary sensory and autonomic neuropathy type IIC; KIF1A-Related HSAN2 (HSAN2C). Identifiers: Orphanet 970, MedGen C3280168, MONDO:0013634, OMIM 614213.
Intellectual disability, autosomal dominant 9 (NESCAVS). Also called: KIF1A-Related Neurodevelopmental Disorder; NESCAV SYNDROME. Identifiers: Orphanet 662367, MedGen C5393830, MONDO:0013656, OMIM 614255.

Allele frequency attached by ClinVar (database versions not stated): gnomAD exomes 0.00015 and 0.00043; ExAC 0.00072; gnomAD 0.00131 and 0.00145; TOPMed 0.00143; ESP Exome Variant Server 0.00171; 1000 Genomes Project 0.00180; 1000 Genomes Project 30x 0.00234.
gnomAD v4.1: 427 of 1,565,222 alleles (0.027%); highest among the groups gnomAD compares: African/African-American, 0.44%; no homozygotes.

Submissions (5):

Labcorp Genetics (formerly Invitae), Labcorp
Classification: Benign for Hereditary spastic paraplegia 30; Neuropathy, hereditary sensory, type 2C; Intellectual disability, autosomal dominant 9. Last evaluated: 2026-02-03. Review status: criteria provided, single submitter. Criteria: Invitae Variant Classification Sherloc (09022015). Collection method: clinical testing. Allele origin: germline.

Mayo Clinic Laboratories, Mayo Clinic
Classification: Likely benign. Last evaluated: 2025-03-17. Review status: criteria provided, single submitter. Criteria: ACMG Guidelines, 2015. Collection method: clinical testing. Allele origin: germline. Observed: 2 variant alleles.
Comment: BS1, BP4, BP7

Blueprint Genetics
Classification: Likely benign. Last evaluated: 2024-07-19. Review status: criteria provided, single submitter. Criteria: ACMG Guidelines, 2015. Collection method: clinical testing. Allele origin: germline.

Athena Diagnostics
Classification: Benign. Last evaluated: 2024-06-25. Review status: criteria provided, single submitter. Criteria: Athena Diagnostics Criteria. Collection method: clinical testing. Allele origin: unknown.

GeneDx
Classification: Likely benign. Last evaluated: 2016-08-04. Review status: criteria provided, single submitter. Criteria: GeneDx Variant Classification (06012015). Collection method: clinical testing. Allele origin: germline. Affected: yes.
Comment: This variant is considered likely benign or benign based on one or more of the following criteria: it is a conservative change, it occurs at a poorly conserved position in the protein, it is predicted to be benign by multiple in silico algorithms, and/or has population frequency not consistent with disease.